The following is an entry in ClinVar:

NM_014244.5(ADAMTS2):c.93_94insTATAAGAGACAGT (p.Pro32fs)

Gene: ADAMTS2 (ADAM metallopeptidase with thrombospondin type 1 motif 2; minus strand). Cytogenetic location: 5q35.3.
Variant type: Insertion.
Coding change: c.93_94insTATAAGAGACAGT on transcript NM_014244.5 (MANE Select); coding-DNA positions 93 to 94, TATAAGAGACAGT inserted.
Protein change: p.Pro32fs; shifts the reading frame from proline 32.
Molecular consequence: frameshift variant.
Genome position: GRCh38 VCF-style: chr5-179345235-G-GACTGTCTCTTATA. GRCh37 (hg19) VCF-style: chr5-178772236-G-GACTGTCTCTTATA.
Other names: c.93_94insTATAAGAGACAGT, p.Pro32fs (NM_021599.4); short protein forms P32fs.
Identifiers: ClinVar variation 5010843 (VCV005010843.1).

ClinVar aggregate classification (germline): Pathogenic (1 of 4 stars; one submission).

Conditions:
Ehlers-Danlos syndrome, dermatosparaxis type. Also called: EDS VIIC; Dermatosparaxis; Ehlers-Danlos syndrome, type VII, autosomal recessive. Identifiers: Orphanet 1901, MedGen C2700425, MONDO:0009161, OMIM 225410.

Submission:

Myriad Genetics, Inc.
Classification: Pathogenic for Ehlers-Danlos syndrome, dermatosparaxis type. Last evaluated: 2024-05-14. Review status: criteria provided, single submitter. Criteria: Myriad Autosomal Dominant, Autosomal Recessive and X-Linked Classification Criteria (2023). Collection method: clinical testing. Allele origin: unknown.
Comment: NM_014244.4(ADAMTS2):c.93_94ins13(P32Yfs*38) is expected to be pathogenic in the context of Ehlers-Danlos syndrome, ADAMTS2-related. This variant is predicted to lead to an abnormal or absent protein product due to the creation of a premature termination codon in ADAMTS2, a gene where loss-of-function variants are known to be pathogenic. Please note: this variant was assessed in the context of healthy population screening.